The following is an entry in ClinVar:

NM_001378477.3(NYX):c.1175C>A (p.Ser392Tyr)

Gene: NYX (nyctalopin; plus strand). Cytogenetic location: Xp11.4.
Variant type: single nucleotide variant.
Coding change: c.1175C>A on transcript NM_001378477.3 (MANE Select); coding-DNA position 1175, C replaced by A.
Protein change: p.Ser392Tyr; replaces serine 392 with tyrosine.
Molecular consequence: missense variant.
Genome position (GRCh38, 1-based): chrX:41,474,643, C>A. VCF-style: chrX-41474643-C-A. GRCh37 (hg19) VCF-style: chrX-41333896-C-A.
Other names: c.1175C>A, p.Ser392Tyr (NM_022567.3); short protein forms S392Y.
Identifiers: ClinVar variation 2858599 (VCV002858599.3), dbSNP rs1387621161, ClinGen allele CA412992991.
Genomic context (GRCh38, chrX:41,474,643, plus strand): 5'-CCTTCGGGCGCTCCTCCGATGGCCTCTGTGTGGACCCCGAGGAGCTGAACCTCACCACGT[C>A]CAGTCCAGGCCCGTCCCCAGAACCAGCGGCCACCACCGTGAGCAGGTTCAGCAGCCTCCT-3'
Protein context (NP_001365406.2, residues 382-402): VDPEELNLTT[Ser392Tyr]SPGPSPEPAA

ClinVar aggregate classification (germline): Uncertain significance (1 of 4 stars; one submission).

Submission:

Labcorp Genetics (formerly Invitae), Labcorp
Classification: Uncertain significance. Last evaluated: 2023-04-23. Review status: criteria provided, single submitter. Criteria: Invitae Variant Classification Sherloc (09022015). Collection method: clinical testing. Allele origin: germline.
Comment: This variant is not present in population databases (gnomAD no frequency). This variant has not been reported in the literature in individuals affected with NYX-related conditions. An algorithm developed to predict the effect of missense changes on protein structure and function (PolyPhen-2) suggests that this variant is likely to be tolerated. In summary, the available evidence is currently insufficient to determine the role of this variant in disease. Therefore, it has been classified as a Variant of Uncertain Significance. This sequence change replaces serine, which is neutral and polar, with tyrosine, which is neutral and polar, at codon 397 of the NYX protein (p.Ser397Tyr).